The following is an entry in ClinVar:

NC_000001.10:g.(?_155581953)_(155583377_?)dup

Gene: MSTO1 (misato mitochondrial distribution and morphology regulator 1; plus strand). Cytogenetic location: 1q22.
Variant type: Duplication.
Identifiers: ClinVar variation 2426443 (VCV002426443.4).

ClinVar aggregate classification (germline): Likely pathogenic (1 of 4 stars; one submission).

Submission:

Labcorp Genetics (formerly Invitae), Labcorp
Classification: Likely pathogenic. Last evaluated: 2023-10-17. Review status: criteria provided, single submitter. Criteria: Invitae Variant Classification Sherloc (09022015). Collection method: clinical testing. Allele origin: germline.
Comment: This variant results in a copy number gain of the genomic region encompassing exon(s) 8-12 of the MSTO1 gene. While the exact position of this variant cannot be determined from the data, sub-genic copy number gains are generally in tandem (PMID: 25640679). This variant is predicted to be out-of-frame, and may result in an absent or disrupted protein product. Loss-of-function variants in MSTO1 are known to be pathogenic (PMID: 28544275, 29339779, 31463572). This variant has not been reported in the literature in individuals affected with MSTO1-related conditions. In summary, the currently available evidence indicates that the variant is pathogenic, but additional data are needed to prove that conclusively. Therefore, this variant has been classified as Likely Pathogenic.

Literature cited by the submitters: PubMed 25640679; PubMed 28544275; PubMed 29339779; PubMed 31463572.